The following is an entry in ClinVar:

ClinVar aggregate classification (germline): Uncertain significance (1 of 4 stars; one submission).

Allele frequency attached by ClinVar (database versions not stated): gnomAD exomes below 0.00001 and 0.00001; gnomAD 0.00001; TOPMed 0.00002.
gnomAD v4.1: 9 of 1,575,896 alleles (0.00057%); highest among the groups gnomAD compares: Non-Finnish European, 0.00077%; no homozygotes.

Submission:

Labcorp Genetics (formerly Invitae), Labcorp
Classification: Uncertain significance. Last evaluated: 2025-03-27. Review status: criteria provided, single submitter. Criteria: Invitae Variant Classification Sherloc (09022015). Collection method: clinical testing. Allele origin: germline.
Comment: This sequence change replaces tryptophan, which is neutral and slightly polar, with cysteine, which is neutral and slightly polar, at codon 269 of the IL6ST protein (p.Trp269Cys). This variant is present in population databases (no rsID available, gnomAD 0.002%). This variant has not been reported in the literature in individuals affected with IL6ST-related conditions. ClinVar contains an entry for this variant (Variation ID: 1473420). An algorithm developed to predict the effect of missense changes on protein structure and function (PolyPhen-2) suggests that this variant is likely to be disruptive. In summary, the available evidence is currently insufficient to determine the role of this variant in disease. Therefore, it has been classified as a Variant of Uncertain Significance.

NM_002184.4(IL6ST):c.807G>C (p.Trp269Cys)

Gene: IL6ST (interleukin 6 cytokine family signal transducer; minus strand). Cytogenetic location: 5q11.2.
Variant type: single nucleotide variant.
Coding change: c.807G>C on transcript NM_002184.4 (MANE Select); coding-DNA position 807, G replaced by C.
Protein change: p.Trp269Cys; replaces tryptophan 269 with cysteine.
Molecular consequence: missense variant. On other transcripts: 5 prime UTR variant (3), non-coding transcript variant (2).
Genome position (GRCh38, 1-based): chr5:55,963,358, C>G on the plus strand (G>C on the coding strand, the complement: IL6ST is on the minus strand). VCF-style: chr5-55963358-C-G. GRCh37 (hg19) VCF-style: chr5-55259186-C-G.
Other names: c.807G>C, p.Trp269Cys (NM_001190981.2, NM_001364275.2, NM_175767.3); c.597G>C, p.Trp199Cys (NM_001364276.2); c.-107G>C (NM_001364277.2, NM_001364279.2); c.-97G>C (NM_001364278.2); short protein forms W199C, W269C.
Identifiers: ClinVar variation 1473420 (VCV001473420.6), dbSNP rs989728501, ClinGen allele CA16040379.